The following is an entry in ClinVar:

ClinVar aggregate classification (germline): Pathogenic (1 of 4 stars; one submission).

Conditions:
Adenylosuccinate lyase deficiency (ADSLD). Also called: ADSL DEFICIENCY. Identifiers: Orphanet 46, MedGen C0268126, MONDO:0007068, OMIM 103050.

Submission:

Labcorp Genetics (formerly Invitae), Labcorp
Classification: Pathogenic for Adenylosuccinate lyase deficiency. Last evaluated: 2022-01-12. Review status: criteria provided, single submitter. Criteria: Invitae Variant Classification Sherloc (09022015). Collection method: clinical testing. Allele origin: germline.
Comment: For these reasons, this variant has been classified as Pathogenic. Algorithms developed to predict the effect of sequence changes on RNA splicing suggest that this variant may disrupt the consensus splice site. Disruption of this splice site has been observed in individual(s) with adenylosuccinate lyase deficiency (PMID: 32681428). In at least one individual the data is consistent with being in trans (on the opposite chromosome) from a pathogenic variant. This variant is not present in population databases (gnomAD no frequency). This sequence change affects a donor splice site in intron 6 of the ADSL gene. It is expected to disrupt RNA splicing. Variants that disrupt the donor or acceptor splice site typically lead to a loss of protein function (PMID: 16199547), and loss-of-function variants in ADSL are known to be pathogenic (PMID: 10888601, 20177786).

Literature cited by the submitters: PubMed 32681428; PubMed 16199547; PubMed 10888601; PubMed 20177786.

NM_000026.4(ADSL):c.701+1G>T

Gene: ADSL (adenylosuccinate lyase; plus strand). Cytogenetic location: 22q13.1.
Variant type: single nucleotide variant.
Coding change: c.701+1G>T on transcript NM_000026.4 (MANE Select); the canonical splice donor site of the intron after coding-DNA position 701, G replaced by T.
Molecular consequence: splice donor variant.
Genome position (GRCh38, 1-based): chr22:40,359,307, G>T. VCF-style: chr22-40359307-G-T. GRCh37 (hg19) VCF-style: chr22-40755311-G-T.
Other names: c.701+1G>T (NM_001363840.3, NM_001410812.1, NM_001123378.3 and 1 more transcripts); c.656+1G>T (NM_001410814.1); c.509+1G>T (NM_001317923.2).
Identifiers: ClinVar variation 1962288 (VCV001962288.5), dbSNP rs546878201, ClinGen allele CA411642047.